The following is an entry in ClinVar:

ClinVar aggregate classification (germline): Uncertain significance (1 of 4 stars; one submission).

Conditions:
Malignant hyperthermia, susceptibility to, 1 (MHS1). Also called: RYR1-Related Malignant Hyperthermia Susceptibility; Malignant hyperthermia suceptibility 1; Anesthesia related hyperthermia; Malignant hyperpyrexia; Fulminating hyperpyrexia; Pharmacogenic myopathy. Identifiers: Orphanet 423, MedGen C2930980, MONDO:0007783, OMIM 145600.

Submission:

Color Diagnostics, LLC DBA Color Health
Classification: Uncertain significance for Malignant hyperthermia, susceptibility to, 1. Last evaluated: 2025-06-09. Review status: criteria provided, single submitter. Criteria: ACMG Guidelines, 2015. Collection method: clinical testing. Allele origin: germline.
Comment: This missense variant replaces asparagine with aspartic acid at codon 2283 of the RYR1 protein. Computational prediction suggests that this variant may have deleterious impact on protein structure and function. To our knowledge, functional studies have not been reported for this variant. This variant has not been reported in individuals affected with RYR1-related disorders in the literature. This variant has not been identified in the general population by the Genome Aggregation Database (gnomAD). The available evidence is insufficient to determine the role of this variant in disease conclusively. Therefore, this variant is classified as a Variant of Uncertain Significance.

NM_000540.3(RYR1):c.6847A>G (p.Asn2283Asp)

Gene: RYR1 (ryanodine receptor 1; plus strand). Cytogenetic location: 19q13.2.
Variant type: single nucleotide variant.
Coding change: c.6847A>G on transcript NM_000540.3 (MANE Select); coding-DNA position 6847, A replaced by G.
Protein change: p.Asn2283Asp; replaces asparagine 2283 with aspartic acid.
Molecular consequence: missense variant.
Genome position (GRCh38, 1-based): chr19:38,496,910, A>G. VCF-style: chr19-38496910-A-G. GRCh37 (hg19) VCF-style: chr19-38987550-A-G.
Other names: c.6847A>G, p.Asn2283Asp (NM_001042723.2); short protein forms N2283D.
Identifiers: ClinVar variation 4758790 (VCV004758790.1).